The following is an entry in ClinVar:

NM_016648.4(LARP7):c.315A>G (p.Glu105=)

Gene: LARP7 (La ribonucleoprotein 7, transcriptional regulator; plus strand). Cytogenetic location: 4q25.
Variant type: single nucleotide variant.
Coding change: c.315A>G on transcript NM_016648.4 (MANE Select); coding-DNA position 315, A replaced by G.
Protein change: p.Glu105=; no amino-acid change (glutamic acid 105 retained).
Molecular consequence: synonymous variant.
Genome position (GRCh38, 1-based): chr4:112,646,599, A>G. VCF-style: chr4-112646599-A-G. GRCh37 (hg19) VCF-style: chr4-113567755-A-G.
Other names: c.315A>G, p.Glu105= (NM_001267039.4, NM_001370974.1, NM_001370975.1 and 6 more transcripts); c.78A>G, p.Glu26= (NM_001370981.1, NM_001370982.1).
Identifiers: ClinVar variation 3056026 (VCV003056026.2), dbSNP rs2477759648, ClinGen allele CA440831677.

ClinVar aggregate classification (germline): Likely benign (0 of 4 stars; one submission).

Conditions:
LARP7-related disorder. Also called: LARP7-related condition.

Submission:

PreventionGenetics, part of Exact Sciences
Classification: Likely benign for LARP7-related condition. Last evaluated: 2022-06-08. Review status: no assertion criteria provided. Collection method: clinical testing. Allele origin: germline.
Comment: This variant is classified as likely benign based on ACMG/AMP sequence variant interpretation guidelines (Richards et al. 2015 PMID: 25741868, with internal and published modifications).